The following is an entry in ClinVar:

ClinVar aggregate classification (germline): Conflicting classifications of pathogenicity. Review status: criteria provided, conflicting classifications (1 of 4 stars). 3 submissions from 3 submitters: Uncertain significance (2); Likely benign (1). Last evaluated 2026-04-02.

Conditions:
ARID1B-Related Disorder. Identifiers: MedGen CN381337.
Inborn genetic diseases. Identifiers: MedGen C0950123, MeSH D030342.

Allele frequency attached by ClinVar (database versions not stated): TOPMed below 0.00001.
gnomAD v4.1: 8 of 1,522,976 alleles (0.00053%); highest among the groups gnomAD compares: African/African-American, 0.0057%; 1 homozygote.

Submissions (3):

Ambry Genetics
Classification: Likely benign for Inborn genetic diseases. Last evaluated: 2026-04-02. Review status: criteria provided, single submitter. Criteria: Ambry Variant Classification Scheme 2023. Collection method: clinical testing. Allele origin: germline.

Labcorp Genetics (formerly Invitae), Labcorp
Classification: Uncertain significance. Last evaluated: 2024-11-25. Review status: criteria provided, single submitter. Criteria: Invitae Variant Classification Sherloc (09022015). Collection method: clinical testing. Allele origin: germline.
Comment: This sequence change replaces alanine, which is neutral and non-polar, with proline, which is neutral and non-polar, at codon 276 of the ARID1B protein (p.Ala276Pro). This variant is not present in population databases (gnomAD no frequency). This variant has not been reported in the literature in individuals affected with ARID1B-related conditions. ClinVar contains an entry for this variant (Variation ID: 1492620). Invitae Evidence Modeling of protein sequence and biophysical properties (such as structural, functional, and spatial information, amino acid conservation, physicochemical variation, residue mobility, and thermodynamic stability) indicates that this missense variant is not expected to disrupt ARID1B protein function with a negative predictive value of 95%. In summary, the available evidence is currently insufficient to determine the role of this variant in disease. Therefore, it has been classified as a Variant of Uncertain Significance.

PreventionGenetics, part of Exact Sciences
Classification: Uncertain significance for ARID1B-related condition. Last evaluated: 2023-08-30. Review status: criteria provided, single submitter. Criteria: ACMG Guidelines, 2015. Collection method: clinical testing. Allele origin: germline.
Comment: The ARID1B c.826G>C variant is predicted to result in the amino acid substitution p.Ala276Pro. To our knowledge, this variant has not been reported in the literature or in a large population database, indicating this variant is rare. At this time, the clinical significance of this variant is uncertain due to the absence of conclusive functional and genetic evidence.

Literature cited by the submitters: PubMed 36413997 (cited by Ambry Genetics).

NM_001374828.1(ARID1B):c.1075G>C (p.Ala359Pro)

Gene: ARID1B (AT-rich interaction domain 1B; plus strand). Cytogenetic location: 6q25.3.
Variant type: single nucleotide variant.
Coding change: c.1075G>C on transcript NM_001374828.1 (MANE Select); coding-DNA position 1075, G replaced by C.
Protein change: p.Ala359Pro; replaces alanine 359 with proline.
Molecular consequence: missense variant.
Genome position (GRCh38, 1-based): chr6:156,778,755, G>C. VCF-style: chr6-156778755-G-C. GRCh37 (hg19) VCF-style: chr6-157099889-G-C.
Other names: c.1075G>C, p.Ala359Pro (NM_001371656.1, NM_001374820.1, NM_017519.3); c.826G>C (NM_020732.3); short protein forms A359P.
Identifiers: ClinVar variation 1492620 (VCV001492620.11), dbSNP rs767529376, ClinGen allele CA366383021.
Genomic context (GRCh38, chr6:156,778,755, plus strand): 5'-GGCGGACAACAAAGCCCCGGGATGGGGATGATGCACTCCGCCTCCGCCGCCGCCGCCGGG[G>C]CCCCCGGCAGCATGGACCCCCTGCAGAACTCCCACGAAGGGTACCCCAACAGCCAGTGCA-3'
Protein context (NP_001361757.1, residues 349-369): MHSASAAAAG[Ala359Pro]PGSMDPLQNS